The following is an entry in ClinVar:

ClinVar aggregate classification (germline): Likely pathogenic (1 of 4 stars; one submission).

Conditions:
Multiple acyl-CoA dehydrogenase deficiency (MADD). Also called: Glutaric Acidemia type 2; ETHYLMALONIC-ADIPICACIDURIA; GA II; Glutaric acidemia type II; GA 2; Glutaric aciduria, type 2. Identifiers: Orphanet 26791, MedGen C0268596, MONDO:0009282, OMIM 231680.

Submission:

Labcorp Genetics (formerly Invitae), Labcorp
Classification: Likely pathogenic for Multiple acyl-CoA dehydrogenase deficiency. Last evaluated: 2021-07-13. Review status: criteria provided, single submitter. Criteria: Invitae Variant Classification Sherloc (09022015). Collection method: clinical testing. Allele origin: germline.
Comment: This sequence change replaces valine with glutamic acid at codon 604 of the ETFDH protein (p.Val604Glu). The valine residue is moderately conserved and there is a moderate physicochemical difference between valine and glutamic acid. In summary, the currently available evidence indicates that the variant is pathogenic, but additional data are needed to prove that conclusively. Therefore, this variant has been classified as Likely Pathogenic. This variant disrupts the p.Val604 amino acid residue in ETFDH. Other variant(s) that disrupt this residue have been determined to be pathogenic (PMID: 24522293). This suggests that this residue is clinically significant, and that variants that disrupt this residue are likely to be disease-causing. Advanced modeling of protein sequence and biophysical properties (such as structural, functional, and spatial information, amino acid conservation, physicochemical variation, residue mobility, and thermodynamic stability) performed at Invitae indicates that this missense variant is expected to disrupt ETFDH protein function. This variant has not been reported in the literature in individuals affected with ETFDH-related conditions. This variant is not present in population databases (ExAC no frequency).

Literature cited by the submitters: PubMed 24522293.

NM_004453.4(ETFDH):c.1811T>A (p.Val604Glu)

Gene: ETFDH (electron transfer flavoprotein dehydrogenase; plus strand). Cytogenetic location: 4q32.1.
Variant type: single nucleotide variant.
Coding change: c.1811T>A on transcript NM_004453.4 (MANE Select); coding-DNA position 1811, T replaced by A.
Protein change: p.Val604Glu; replaces valine 604 with glutamic acid.
Molecular consequence: missense variant.
Genome position (GRCh38, 1-based): chr4:158,708,484, T>A. VCF-style: chr4-158708484-T-A. GRCh37 (hg19) VCF-style: chr4-159629636-T-A.
Other names: c.1670T>A, p.Val557Glu (NM_001281737.2); c.1628T>A, p.Val543Glu (NM_001281738.1); short protein forms V543E, V557E, V604E.
Identifiers: ClinVar variation 1525490 (VCV001525490.8), dbSNP rs2126321188, ClinGen allele CA358566893.
Genomic context (GRCh38, chr4:158,708,484, plus strand): 5'-AGAACTGTGTACATTGTAAAACATGTGATATTAAAGATCCAAGTCAGAATATTAACTGGG[T>A]GGTACCTGAAGGTGGAGGAGGACCTGCTTACAATGGAATGTAAACTGCAGCTAGCCAGTT-3'
Protein context (NP_004444.2, residues 594-614): IKDPSQNINW[Val604Glu]VPEGGGGPAY